The following is an entry in ClinVar:

NM_014319.5(LEMD3):c.2388-2A>T

Gene: LEMD3 (LEM domain containing 3; plus strand). Cytogenetic location: 12q14.3.
Variant type: single nucleotide variant.
Coding change: c.2388-2A>T on transcript NM_014319.5 (MANE Select); the canonical splice acceptor site of the intron before coding-DNA position 2388, A replaced by T.
Molecular consequence: splice acceptor variant.
Genome position (GRCh38, 1-based): chr12:65,245,667, A>T. VCF-style: chr12-65245667-A-T. GRCh37 (hg19) VCF-style: chr12-65639447-A-T.
Other names: c.2385-2A>T (NM_001167614.2).
Identifiers: ClinVar variation 1066482 (VCV001066482.3), dbSNP rs2136358605, ClinGen allele CA385675255.

ClinVar aggregate classification (germline): Likely pathogenic (1 of 4 stars; one submission).

Submission:

Labcorp Genetics (formerly Invitae), Labcorp
Classification: Likely pathogenic. Last evaluated: 2026-02-01. Review status: criteria provided, single submitter. Criteria: Invitae Variant Classification Sherloc (09022015). Collection method: clinical testing. Allele origin: germline.
Comment: This sequence change affects an acceptor splice site in intron 10 of the LEMD3 gene. It is expected to disrupt RNA splicing. Variants that disrupt the donor or acceptor splice site typically lead to a loss of protein function (PMID: 16199547), and loss-of-function variants in LEMD3 are known to be pathogenic (PMID: 15489854, 19438932). This variant is not present in population databases (gnomAD no frequency). Disruption of this splice site has been observed in individual(s) with clinical features of LEMD3-related disorders (PMID: 38702915). ClinVar contains an entry for this variant (Variation ID: 1066482). Algorithms developed to predict the effect of sequence changes on RNA splicing suggest that this variant may disrupt the consensus splice site. In summary, the currently available evidence indicates that the variant is pathogenic, but additional data are needed to prove that conclusively. Therefore, this variant has been classified as Likely Pathogenic.

Literature cited by the submitters: PubMed 16199547; PubMed 15489854; PubMed 19438932; PubMed 38702915.